The following is an entry in ClinVar:

NM_000168.6(GLI3):c.3040G>C (p.Glu1014Gln)

Gene: GLI3 (GLI family zinc finger 3; minus strand). Cytogenetic location: 7p14.1.
Variant type: single nucleotide variant.
Coding change: c.3040G>C on transcript NM_000168.6 (MANE Select); coding-DNA position 3040, G replaced by C.
Protein change: p.Glu1014Gln; replaces glutamic acid 1014 with glutamine.
Molecular consequence: missense variant.
Genome position (GRCh38, 1-based): chr7:41,966,033, C>G on the plus strand (G>C on the coding strand, the complement: GLI3 is on the minus strand). VCF-style: chr7-41966033-C-G. GRCh37 (hg19) VCF-style: chr7-42005631-C-G.
Other names: short protein forms E1014Q.
Identifiers: ClinVar variation 909047 (VCV000909047.10), dbSNP rs373643864, ClinGen allele CA4230467.
Genomic context (GRCh38, chr7:41,966,033, plus strand): 5'-CCGGGGGGTTGCAGCTGCTGAGGCTGCTGAAGCGCGGCACACGAGGCAGGGCCAGGCCCT[C>G]GGAGCCTGTCCGCACCGGGTCGCTGGCCCTCCTCACGCCGTGGCCCGGCGCATCGTGCGG-3'
Protein context (NP_000159.3, residues 1004-1024): RASDPVRTGS[Glu1014Gln]GLALPRVPRF

ClinVar aggregate classification (germline): Uncertain significance. Review status: criteria provided, multiple submitters, no conflicts (2 of 4 stars). 4 submissions from 3 submitters: Uncertain significance (3). 1 of the submissions does not count toward it. Last evaluated 2023-08-30.

Conditions:
Greig cephalopolysyndactyly syndrome (GCPS). Also called: Greig syndrome; POLYSYNDACTYLY WITH PECULIAR SKULL SHAPE; GLI3-Related Greig Cephalopolysyndactyly Syndrome. Identifiers: Orphanet 380, MedGen C0265306, MONDO:0008287, OMIM 175700.
Pallister-Hall syndrome (PHS). Also called: HYPOTHALAMIC HAMARTOBLASTOMA, HYPOPITUITARISM, IMPERFORATE ANUS, AND POSTAXIAL POLYDACTYLY; GLI3-Related Pallister-Hall Syndrome. Identifiers: Orphanet 672, MedGen C0265220, MONDO:0007804, OMIM 146510.
Polydactyly. Also called: polydactylism. Identifiers: MedGen C0152427, MONDO:0021003, OMIM 603596, HP:0010442.
GLI3-related disorder. Also called: GLI3-related disorders; GLI3-related condition. Identifiers: MedGen CN239292.

Allele frequency attached by ClinVar (database versions not stated): ESP Exome Variant Server 0.00008; TOPMed below 0.00001; ExAC 0.00001.
gnomAD v4.1: 1 of 1,592,330 alleles (0.000063%); no homozygotes.

Submissions (4):

Labcorp Genetics (formerly Invitae), Labcorp
Classification: Uncertain significance for Pallister-Hall syndrome; Greig cephalopolysyndactyly syndrome. Last evaluated: 2023-08-30. Review status: criteria provided, single submitter. Criteria: Invitae Variant Classification Sherloc (09022015). Collection method: clinical testing. Allele origin: germline.
Comment: This sequence change replaces glutamic acid, which is acidic and polar, with glutamine, which is neutral and polar, at codon 1014 of the GLI3 protein (p.Glu1014Gln). This variant is present in population databases (rs373643864, gnomAD 0.003%). This variant has not been reported in the literature in individuals affected with GLI3-related conditions. ClinVar contains an entry for this variant (Variation ID: 909047). Advanced modeling of protein sequence and biophysical properties (such as structural, functional, and spatial information, amino acid conservation, physicochemical variation, residue mobility, and thermodynamic stability) performed at Invitae indicates that this missense variant is not expected to disrupt GLI3 protein function. In summary, the available evidence is currently insufficient to determine the role of this variant in disease. Therefore, it has been classified as a Variant of Uncertain Significance.

Illumina Laboratory Services, Illumina
Classification: Uncertain significance for Polydactyly. Last evaluated: 2018-01-12. Review status: criteria provided, single submitter. Criteria: ICSL Variant Classification Criteria 13 December 2019. Collection method: clinical testing. Allele origin: germline.

Illumina Laboratory Services, Illumina
Classification: Uncertain significance for Greig cephalopolysyndactyly syndrome. Last evaluated: 2018-01-12. Review status: criteria provided, single submitter. Criteria: ICSL Variant Classification Criteria 13 December 2019. Collection method: clinical testing. Allele origin: germline.

PreventionGenetics, part of Exact Sciences
Classification: Uncertain significance for GLI3-related condition. Last evaluated: 2024-04-02. Review status: no assertion criteria provided. Collection method: clinical testing. Allele origin: germline. Not counted in ClinVar's aggregate classification.
Comment: The GLI3 c.3040G>C variant is predicted to result in the amino acid substitution p.Glu1014Gln. To our knowledge, this variant has not been reported in the literature. This variant is reported in 0.0% of alleles in individuals of African descent in gnomAD. At this time, the clinical significance of this variant is uncertain due to the absence of conclusive functional and genetic evidence.